The following is an entry in ClinVar:

ClinVar aggregate classification (germline): Conflicting classifications of pathogenicity. Review status: criteria provided, conflicting classifications (1 of 4 stars). 6 submissions from 6 submitters: Uncertain significance (3); Likely benign (1). 2 of the submissions do not count toward it. Last evaluated 2024-06-01.

Conditions:
Cardiovascular phenotype. Identifiers: MedGen CN230736.
Alstrom syndrome (ALMS). Identifiers: Orphanet 64, MedGen C0268425, MONDO:0008763, OMIM 203800.

Allele frequency attached by ClinVar (database versions not stated): ExAC 0.00003; gnomAD 0.00003 and 0.00004; gnomAD exomes 0.00003 and 0.00007; TOPMed 0.00005; ESP Exome Variant Server 0.00008.
gnomAD v4.1: 113 of 1,613,656 alleles (0.007%); highest among the groups gnomAD compares: Non-Finnish European, 0.0089%; 1 homozygote.

Submissions (6):

Ambry Genetics
Classification: Likely benign for Cardiovascular phenotype. Last evaluated: 2024-06-01. Review status: criteria provided, single submitter. Criteria: Ambry Variant Classification Scheme 2023. Collection method: clinical testing. Allele origin: germline.

Blueprint Genetics
Classification: Uncertain significance. Last evaluated: 2023-11-30. Review status: criteria provided, single submitter. Criteria: ACMG Guidelines, 2015. Collection method: clinical testing. Allele origin: germline.

Labcorp Genetics (formerly Invitae), Labcorp
Classification: Uncertain significance for Alstrom syndrome. Last evaluated: 2022-07-12. Review status: criteria provided, single submitter. Criteria: Invitae Variant Classification Sherloc (09022015). Collection method: clinical testing. Allele origin: germline.
Comment: This sequence change replaces isoleucine with threonine at codon 1484 of the ALMS1 protein (p.Ile1484Thr). The isoleucine residue is moderately conserved and there is a moderate physicochemical difference between isoleucine and threonine. This variant is present in population databases (rs370271775, gnomAD 0.006%). This variant has not been reported in the literature in individuals affected with ALMS1-related conditions. ClinVar contains an entry for this variant (Variation ID: 392528). Experimental studies and prediction algorithms are not available or were not evaluated, and the functional significance of this variant is currently unknown. In summary, the available evidence is currently insufficient to determine the role of this variant in disease. Therefore, it has been classified as a Variant of Uncertain Significance.

GeneDx
Classification: Uncertain significance. Last evaluated: 2021-07-19. Review status: criteria provided, single submitter. Criteria: GeneDx Variant Classification Process June 2021. Collection method: clinical testing. Allele origin: germline. Affected: yes.
Comment: Not observed at significant frequency in large population cohorts (Lek et al., 2016); In silico analysis supports that this missense variant does not alter protein structure/function; Has not been previously published as pathogenic or benign to our knowledge; This variant is associated with the following publications: (PMID: 27535533, 26582918)

Natera, Inc.
Classification: Uncertain significance for Alstrom syndrome. Last evaluated: 2020-01-17. Review status: no assertion criteria provided. Collection method: clinical testing. Allele origin: germline. Not counted in ClinVar's aggregate classification.

Counsyl
Classification: Uncertain significance for Alstrom syndrome. Last evaluated: 2017-02-28. Review status: no assertion criteria provided. Collection method: clinical testing. Allele origin: unknown. Not counted in ClinVar's aggregate classification.

NM_001378454.1(ALMS1):c.4448T>C (p.Ile1483Thr)

Gene: ALMS1 (ALMS1 centrosome and basal body associated protein; plus strand). Cytogenetic location: 2p13.1.
Variant type: single nucleotide variant.
Coding change: c.4448T>C on transcript NM_001378454.1 (MANE Select); coding-DNA position 4448, T replaced by C.
Protein change: p.Ile1483Thr; replaces isoleucine 1483 with threonine.
Molecular consequence: missense variant.
Genome position (GRCh38, 1-based): chr2:73,450,975, T>C. VCF-style: chr2-73450975-T-C. GRCh37 (hg19) VCF-style: chr2-73678102-T-C.
Other names: c.4451T>C, p.Ile1484Thr (NM_015120.4); short protein forms I1484T, I1483T.
Identifiers: ClinVar variation 392528 (VCV000392528.13), dbSNP rs370271775, ClinGen allele CA1713713.